The following is an entry in ClinVar:

NM_001369268.1(ACAN):c.7254C>G (p.Asn2418Lys)

Gene: ACAN (aggrecan; plus strand). Cytogenetic location: 15q26.1.
Variant type: single nucleotide variant.
Coding change: c.7254C>G on transcript NM_001369268.1 (MANE Select); coding-DNA position 7254, C replaced by G.
Protein change: p.Asn2418Lys; replaces asparagine 2418 with lysine.
Molecular consequence: missense variant.
Genome position (GRCh38, 1-based): chr15:88,872,037, C>G. VCF-style: chr15-88872037-C-G. GRCh37 (hg19) VCF-style: chr15-89415268-C-G.
Other names: c.7140C>G (NM_013227.3); c.7026C>G, p.Asn2342Lys (NM_001135.4, NM_001411096.1); c.7140C>G, p.Asn2380Lys (NM_001411097.1, NM_013227.4); short protein forms N2342K, N2418K, N2380K.
Identifiers: ClinVar variation 2135882 (VCV002135882.5), dbSNP rs372066173, ClinGen allele CA393730180.

ClinVar aggregate classification (germline): Uncertain significance. Review status: criteria provided, multiple submitters, no conflicts (2 of 4 stars). 2 submissions from 2 submitters: Uncertain significance (2). Last evaluated 2024-07-04.

Submissions (2):

Labcorp Genetics (formerly Invitae), Labcorp
Classification: Uncertain significance. Last evaluated: 2024-07-04. Review status: criteria provided, single submitter. Criteria: Invitae Variant Classification Sherloc (09022015). Collection method: clinical testing. Allele origin: germline.
Comment: This sequence change replaces asparagine, which is neutral and polar, with lysine, which is basic and polar, at codon 2380 of the ACAN protein (p.Asn2380Lys). This variant is not present in population databases (gnomAD no frequency). This variant has not been reported in the literature in individuals affected with ACAN-related conditions. ClinVar contains an entry for this variant (Variation ID: 2135882). An algorithm developed to predict the effect of missense changes on protein structure and function (PolyPhen-2) suggests that this variant is likely to be disruptive. In summary, the available evidence is currently insufficient to determine the role of this variant in disease. Therefore, it has been classified as a Variant of Uncertain Significance.

GeneDx
Classification: Uncertain significance. Last evaluated: 2022-12-22. Review status: criteria provided, single submitter. Criteria: GeneDx Variant Classification Process June 2021. Collection method: clinical testing. Allele origin: germline. Affected: yes.
Comment: Not observed at significant frequency in large population cohorts (gnomAD); In silico analysis supports that this missense variant has a deleterious effect on protein structure/function; Has not been previously published as pathogenic or benign to our knowledge